The following is an entry in ClinVar:

NM_001042492.3(NF1):c.7457+4A>C

Gene: NF1 (neurofibromin 1; plus strand). Cytogenetic location: 17q11.2.
Variant type: single nucleotide variant.
Coding change: c.7457+4A>C on transcript NM_001042492.3 (MANE Select); 4 bases into the intron after coding-DNA position 7457, A replaced by C.
Molecular consequence: intron variant.
Genome position (GRCh38, 1-based): chr17:31,350,322, A>C. VCF-style: chr17-31350322-A-C. GRCh37 (hg19) VCF-style: chr17-29677340-A-C.
Other names: c.7394+4A>C (NM_000267.4).
Identifiers: ClinVar variation 4018409 (VCV004018409.2).

ClinVar aggregate classification (germline): Conflicting classifications of pathogenicity. Review status: criteria provided, conflicting classifications (1 of 4 stars). 2 submissions from 2 submitters: Uncertain significance (1); Likely benign (1). Last evaluated 2025-10-01.

Conditions:
Cardiovascular phenotype. Identifiers: MedGen CN230736.
Hereditary cancer-predisposing syndrome. Also called: Neoplastic Syndromes, Hereditary; Tumor predisposition; Hereditary Cancer Syndrome; Hereditary neoplastic syndrome. Identifiers: Orphanet 140162, MedGen C0027672, MeSH D009386, MONDO:0015356.
Neurofibromatosis, type 1 (NF1). Also called: NEUROFIBROMATOSIS, TYPE I, SOMATIC; Neurofibromatosis, type I; VON RECKLINGHAUSEN DISEASE; Peripheral type neurofibromatosis. Identifiers: Orphanet 636, MedGen C0027831, MONDO:0018975, OMIM 162200. Disease mechanism: loss of function.

Submissions (2):

Labcorp Genetics (formerly Invitae), Labcorp
Classification: Likely benign for Neurofibromatosis, type 1. Last evaluated: 2025-10-01. Review status: criteria provided, single submitter. Criteria: Invitae Variant Classification Sherloc (09022015). Collection method: clinical testing. Allele origin: germline.

Ambry Genetics
Classification: Uncertain significance for Cardiovascular phenotype; Hereditary cancer-predisposing syndrome. Last evaluated: 2025-04-18. Review status: criteria provided, single submitter. Criteria: Ambry Variant Classification Scheme 2023. Collection method: clinical testing. Allele origin: germline.
Comment: The c.7394+4A>C intronic variant results from an A to C substitution 4 nucleotides after coding exon 49 in the NF1 gene. This nucleotide position is not well conserved in available vertebrate species. In silico splice site analysis predicts that this alteration will not have any significant effect on splicing. Based on the available evidence, the clinical significance of this variant remains unclear.